The following is an entry in ClinVar:

NM_002609.4(PDGFRB):c.373G>A (p.Val125Met)

Gene: PDGFRB (platelet derived growth factor receptor beta; minus strand). Cytogenetic location: 5q32.
Variant type: single nucleotide variant.
Coding change: c.373G>A on transcript NM_002609.4 (MANE Select); coding-DNA position 373, G replaced by A.
Protein change: p.Val125Met; replaces valine 125 with methionine.
Molecular consequence: missense variant. On other transcripts: 5 prime UTR variant (1).
Genome position (GRCh38, 1-based): chr5:150,135,008, C>T on the plus strand (G>A on the coding strand, the complement: PDGFRB is on the minus strand). VCF-style: chr5-150135008-C-T. GRCh37 (hg19) VCF-style: chr5-149514571-C-T.
Other names: c.373G>A (NM_002609.3); c.181G>A, p.Val61Met (NM_001355016.2); c.-145G>A (NM_001355017.2); short protein forms V125M, V61M.
Identifiers: ClinVar variation 2949487 (VCV002949487.4), dbSNP rs540587683, ClinGen allele CA3508319.
Genomic context (GRCh38, chr5:150,135,008, plus strand): 5'-TCTCAGTTATTTCCGTGAGAAAGATGAATAGTTCCTCGGCATCATTAGGGAGGAAGCCCA[C>T]GGTGGGATCTGCCAGGAGTGGAGCCGTGAATAAATCAGGGGAACTGGGTTTCTGGCCATC-3'
Protein context (NP_002600.1, residues 115-135): RLYIFVPDPT[Val125Met]GFLPNDAEEL

ClinVar aggregate classification (germline): Conflicting classifications of pathogenicity. Review status: criteria provided, conflicting classifications (1 of 4 stars). 2 submissions from 2 submitters: Uncertain significance (1); Likely benign (1). Last evaluated 2024-10-11.

Conditions:
Infantile myofibromatosis (IMF). Also called: Congenital generalized fibromatosis. Identifiers: Orphanet 2591, MedGen C0432284, MONDO:0016824.
Skeletal overgrowth-craniofacial dysmorphism-hyperelastic skin-white matter lesions syndrome. Also called: SKELETAL OVERGROWTH WITH FACIAL DYSMORPHISM, HYPERELASTIC SKIN, WHITE MATTER LESIONS, AND NEUROLOGIC DETERIORATION; Kosaki overgrowth syndrome. Identifiers: Orphanet 477831, MedGen C4225270, MONDO:0014704, OMIM 616592.
Acroosteolysis-keloid-like lesions-premature aging syndrome. Also called: Premature aging syndrome, Penttinen type; Prematurely aged appearance, delayed bone maturation, acro-osteolysis, and brachydactyly; Progeroid syndrome, Penttinen type. Identifiers: Orphanet 363665, MedGen C1866182, MONDO:0011150, OMIM 601812.
Basal ganglia calcification, idiopathic, 4 (PFBC4). Also called: Familial Idiopathic Basal Ganglia Calcification 4; PRIMARY FAMILIAL BRAIN CALCIFICATION 4, AUTOSOMAL DOMINANT. Identifiers: Orphanet 1980, MedGen C3554321, MONDO:0014004, OMIM 615007.
Inborn genetic diseases. Identifiers: MedGen C0950123, MeSH D030342.

Allele frequency attached by ClinVar (database versions not stated): gnomAD 0.00005; 1000 Genomes Project 30x 0.00016; gnomAD exomes 0.00002; 1000 Genomes Project 0.00020.
gnomAD v4.1: 38 of 1,565,848 alleles (0.0024%); highest among the groups gnomAD compares: Middle Eastern, 0.02%; no homozygotes.

Submissions (2):

Ambry Genetics
Classification: Likely benign for Inborn genetic diseases. Last evaluated: 2024-10-11. Review status: criteria provided, single submitter. Criteria: Ambry Variant Classification Scheme 2023. Collection method: clinical testing. Allele origin: germline.

Labcorp Genetics (formerly Invitae), Labcorp
Classification: Uncertain significance for Basal ganglia calcification, idiopathic, 4; Skeletal overgrowth-craniofacial dysmorphism-hyperelastic skin-white matter lesions syndrome; Infantile myofibromatosis; Acroosteolysis-keloid-like lesions-premature aging syndrome. Last evaluated: 2023-11-21. Review status: criteria provided, single submitter. Criteria: Invitae Variant Classification Sherloc (09022015). Collection method: clinical testing. Allele origin: germline.
Comment: This sequence change replaces valine, which is neutral and non-polar, with methionine, which is neutral and non-polar, at codon 125 of the PDGFRB protein (p.Val125Met). The frequency data for this variant in the population databases is considered unreliable, as metrics indicate poor data quality at this position in the gnomAD database. This variant has not been reported in the literature in individuals affected with PDGFRB-related conditions. Advanced modeling of protein sequence and biophysical properties (such as structural, functional, and spatial information, amino acid conservation, physicochemical variation, residue mobility, and thermodynamic stability) performed at Invitae indicates that this missense variant is not expected to disrupt PDGFRB protein function with a negative predictive value of 80%. In summary, the available evidence is currently insufficient to determine the role of this variant in disease. Therefore, it has been classified as a Variant of Uncertain Significance.